The following is an entry in ClinVar:

ClinVar aggregate classification (germline): Uncertain significance (1 of 4 stars; one submission).

Conditions:
Tumor predisposition syndrome 3 (TPDS3). Also called: Melanoma, cutaneous malignant, susceptibility to, 10; Glioma susceptibility 9; LONG TELOMERE SYNDROME, POT1-RELATED; POT1 Tumor Predisposition. Identifiers: Orphanet 618, MedGen C4014476, MONDO:0014368, OMIM 615848.

Submission:

Labcorp Genetics (formerly Invitae), Labcorp
Classification: Uncertain significance for Tumor predisposition syndrome 3. Last evaluated: 2025-02-15. Review status: criteria provided, single submitter. Criteria: Invitae Variant Classification Sherloc (09022015). Collection method: clinical testing. Allele origin: germline.
Comment: This sequence change replaces tyrosine, which is neutral and polar, with asparagine, which is neutral and polar, at codon 271 of the POT1 protein (p.Tyr271Asn). This variant is not present in population databases (gnomAD no frequency). This variant has not been reported in the literature in individuals affected with POT1-related conditions. Invitae Evidence Modeling of protein sequence and biophysical properties (such as structural, functional, and spatial information, amino acid conservation, physicochemical variation, residue mobility, and thermodynamic stability) indicates that this missense variant is not expected to disrupt POT1 protein function with a negative predictive value of 80%. In summary, the available evidence is currently insufficient to determine the role of this variant in disease. Therefore, it has been classified as a Variant of Uncertain Significance.

NM_015450.3(POT1):c.811T>A (p.Tyr271Asn)

Gene: POT1 (protection of telomeres 1; minus strand). Cytogenetic location: 7q31.33.
Variant type: single nucleotide variant.
Coding change: c.811T>A on transcript NM_015450.3 (MANE Select); coding-DNA position 811, T replaced by A.
Protein change: p.Tyr271Asn; replaces tyrosine 271 with asparagine.
Molecular consequence: missense variant. On other transcripts: non-coding transcript variant (3).
Genome position (GRCh38, 1-based): chr7:124,853,030, A>T on the plus strand (T>A on the coding strand, the complement: POT1 is on the minus strand). VCF-style: chr7-124853030-A-T. GRCh37 (hg19) VCF-style: chr7-124493084-A-T.
Other names: c.418T>A, p.Tyr140Asn (NM_001042594.2); short protein forms Y140N, Y271N.
Identifiers: ClinVar variation 4742243 (VCV004742243.1).